The following is an entry in ClinVar:

ClinVar aggregate classification (germline): Conflicting classifications of pathogenicity. Review status: criteria provided, conflicting classifications (1 of 4 stars). 5 submissions from 4 submitters: Uncertain significance (2); Likely benign (2). 1 of the submissions does not count toward it. Last evaluated 2026-01-11.

Conditions:
Usher syndrome type 2D. Also called: USHER SYNDROME, TYPE IID. Identifiers: Orphanet 231178, Orphanet 886, MedGen C1568249, MONDO:0012662, OMIM 611383.
Autosomal recessive nonsyndromic hearing loss 31. Also called: WHIRLER, MOUSE, HOMOLOG OF. Identifiers: Orphanet 90636, MedGen C1846839, MONDO:0011767, OMIM 607084.
WHRN-related disorder. Also called: WHRN-related condition.

Allele frequency attached by ClinVar (database versions not stated): TOPMed 0.00002; gnomAD 0.00003 and 0.00004; ExAC 0.00004; gnomAD exomes 0.00004 and 0.00010; 1000 Genomes Project 30x 0.00016; 1000 Genomes Project 0.00020.
gnomAD v4.1: 143 of 1,613,908 alleles (0.0089%); highest among the groups gnomAD compares: South Asian, 0.018%; no homozygotes.

Submissions (5):

Labcorp Genetics (formerly Invitae), Labcorp
Classification: Likely benign. Last evaluated: 2026-01-11. Review status: criteria provided, single submitter. Criteria: Invitae Variant Classification Sherloc (09022015). Collection method: clinical testing. Allele origin: germline.

Blueprint Genetics
Classification: Likely benign. Last evaluated: 2019-01-15. Review status: criteria provided, single submitter. Criteria: ACMG Guidelines, 2015. Collection method: clinical testing. Allele origin: germline.

Illumina Laboratory Services, Illumina
Classification: Uncertain significance for Usher syndrome type 2D. Last evaluated: 2018-01-13. Review status: criteria provided, single submitter. Criteria: ICSL Variant Classification Criteria 13 December 2019. Collection method: clinical testing. Allele origin: germline.

Illumina Laboratory Services, Illumina
Classification: Uncertain significance for Autosomal recessive nonsyndromic hearing loss 31. Last evaluated: 2018-01-13. Review status: criteria provided, single submitter. Criteria: ICSL Variant Classification Criteria 13 December 2019. Collection method: clinical testing. Allele origin: germline.

PreventionGenetics, part of Exact Sciences
Classification: Likely benign for WHRN-related condition. Last evaluated: 2019-07-18. Review status: no assertion criteria provided. Collection method: clinical testing. Allele origin: germline. Not counted in ClinVar's aggregate classification.
Comment: This variant is classified as likely benign based on ACMG/AMP sequence variant interpretation guidelines (Richards et al. 2015 PMID: 25741868, with internal and published modifications).

NM_015404.4(WHRN):c.762C>T (p.His254=)

Gene: WHRN (whirlin; minus strand). Cytogenetic location: 9q32.
Variant type: single nucleotide variant.
Coding change: c.762C>T on transcript NM_015404.4 (MANE Select); coding-DNA position 762, C replaced by T.
Protein change: p.His254=; no amino-acid change (histidine 254 retained).
Molecular consequence: synonymous variant. On other transcripts: 5 prime UTR variant (1).
Genome position (GRCh38, 1-based): chr9:114,478,628, G>A on the plus strand (C>T on the coding strand, the complement: WHRN is on the minus strand). VCF-style: chr9-114478628-G-A. GRCh37 (hg19) VCF-style: chr9-117240908-G-A.
Other names: c.-388C>T (NM_001083885.3); c.762C>T, p.His254= (NM_001173425.2).
Identifiers: ClinVar variation 914631 (VCV000914631.15), dbSNP rs201171374, ClinGen allele CA5206201.
Genomic context (GRCh38, chr9:114,478,628, plus strand): 5'-TCCTTGCAGGAGGTGCAGGGTGCTCCTCCGGTCACCCTCCTGCTGCCTCAGGGCACCACC[G>A]TGGGGCTGGGGCAGGCCCGAGGGTGGGGAGATGCTGCGGCCCTGCGGGTCCACCCAGGTG-3'
Protein context (NP_056219.3, residues 244-264): ISPPSGLPQP[His254=]GGALRQQEGD